The following is an entry in ClinVar:

ClinVar aggregate classification (germline): Uncertain significance (1 of 4 stars; one submission).

Submission:

Labcorp Genetics (formerly Invitae), Labcorp
Classification: Uncertain significance. Last evaluated: 2024-05-29. Review status: criteria provided, single submitter. Criteria: Invitae Variant Classification Sherloc (09022015). Collection method: clinical testing. Allele origin: germline.
Comment: This variant, c.1141_1143del, results in the deletion of 1 amino acid(s) of the MNX1 protein (p.Ser381del), but otherwise preserves the integrity of the reading frame. This variant is not present in population databases (gnomAD no frequency). This variant has not been reported in the literature in individuals affected with MNX1-related conditions. Experimental studies and prediction algorithms are not available or were not evaluated, and the functional significance of this variant is currently unknown. In summary, the available evidence is currently insufficient to determine the role of this variant in disease. Therefore, it has been classified as a Variant of Uncertain Significance.

NM_005515.4(MNX1):c.1138TCC[1] (p.Ser381del)

Gene: MNX1 (motor neuron and pancreas homeobox 1; minus strand). Cytogenetic location: 7q36.3.
Variant type: Microsatellite.
Coding change: c.1138TCC[1] on transcript NM_005515.4 (MANE Select); one copy of the 3-base unit TCC starting at c.1138; the reference has two copies in a row; one copy, 3 bases deleted.
Protein change: p.Ser381del; deletes serine 381.
Genome position (GRCh38, 1-based): chr7:157,005,583-157,005,585, GGA deleted on the plus strand (TCC on the coding strand, the reverse complement: MNX1 is on the minus strand); deleting any 3 consecutive bases within chr7:157,005,583-157,005,590 gives the same sequence; the position shown is the placement nearest the transcript's 3' end. VCF-style (leftmost placement, unchanged base first): chr7-157005582-CGGA-C. GRCh37 (hg19) VCF-style: chr7-156798276-CGGA-C.
Other names: c.502TCC[1], p.Ser169del (NM_001165255.2); short protein forms S169del, S381del.
Identifiers: ClinVar variation 3682298 (VCV003682298.2).